The following is an entry in ClinVar:

ClinVar aggregate classification (germline): Uncertain significance. Review status: criteria provided, multiple submitters, no conflicts (2 of 4 stars). 2 submissions from 2 submitters: Uncertain significance (2). Last evaluated 2024-04-03.

Conditions:
Neuropathy, hereditary sensory, type 2C. Also called: Hereditary sensory and autonomic neuropathy type IIC; KIF1A-Related HSAN2 (HSAN2C). Identifiers: Orphanet 970, MedGen C3280168, MONDO:0013634, OMIM 614213.
Intellectual disability, autosomal dominant 9 (NESCAVS). Also called: NESCAV SYNDROME; KIF1A-Related Neurodevelopmental Disorder. Identifiers: Orphanet 662367, MedGen C5393830, MONDO:0013656, OMIM 614255.
Hereditary spastic paraplegia 30. Identifiers: Orphanet 101010, MedGen C5235139, MONDO:0012476.

gnomAD v4.1: 1 of 1,608,634 alleles (0.000062%); highest among the groups gnomAD compares: Non-Finnish European, 0.000085%; no homozygotes.

Submissions (2):

Labcorp Genetics (formerly Invitae), Labcorp
Classification: Uncertain significance for Hereditary spastic paraplegia 30; Neuropathy, hereditary sensory, type 2C; Intellectual disability, autosomal dominant 9. Last evaluated: 2024-04-03. Review status: criteria provided, single submitter. Criteria: Invitae Variant Classification Sherloc (09022015). Collection method: clinical testing. Allele origin: germline.
Comment: This sequence change replaces serine, which is neutral and polar, with arginine, which is basic and polar, at codon 1094 of the KIF1A protein (p.Ser1094Arg). This variant is not present in population databases (gnomAD no frequency). This variant has not been reported in the literature in individuals affected with KIF1A-related conditions. An algorithm developed to predict the effect of missense changes on protein structure and function (PolyPhen-2) suggests that this variant is likely to be tolerated. In summary, the available evidence is currently insufficient to determine the role of this variant in disease. Therefore, it has been classified as a Variant of Uncertain Significance.

GeneDx
Classification: Uncertain significance. Last evaluated: 2023-12-06. Review status: criteria provided, single submitter. Criteria: GeneDx Variant Classification Process June 2021. Collection method: clinical testing. Allele origin: germline. Affected: yes.
Comment: Not observed at significant frequency in large population cohorts (gnomAD); In silico analysis supports that this missense variant has a deleterious effect on protein structure/function; Has not been previously published as pathogenic or benign to our knowledge

NM_001244008.2(KIF1A):c.3585C>A (p.Ser1195Arg)

Gene: KIF1A (kinesin family member 1A; minus strand). Cytogenetic location: 2q37.3.
Variant type: single nucleotide variant.
Coding change: c.3585C>A on transcript NM_001244008.2 (MANE Select); coding-DNA position 3585, C replaced by A.
Protein change: p.Ser1195Arg; replaces serine 1195 with arginine.
Molecular consequence: missense variant.
Genome position (GRCh38, 1-based): chr2:240,742,984, G>T on the plus strand (C>A on the coding strand, the complement: KIF1A is on the minus strand). VCF-style: chr2-240742984-G-T. GRCh37 (hg19) VCF-style: chr2-241682401-G-T.
Other names: c.3309C>A, p.Ser1103Arg (NM_001320705.2, NM_001330289.2, NM_001379638.1); c.3384C>A, p.Ser1128Arg (NM_001330290.2, NM_001379634.1, NM_001379635.1 and 1 more transcripts); c.3660C>A, p.Ser1220Arg (NM_001379631.1); c.3534C>A, p.Ser1178Arg (NM_001379632.1); c.3558C>A, p.Ser1186Arg (NM_001379633.1, NM_001379642.1, NM_001379645.1); c.3282C>A, p.Ser1094Arg (NM_001379636.1, NM_001379639.1, NM_001379641.1 and 5 more transcripts); c.3357C>A, p.Ser1119Arg (NM_001379637.1, NM_001379648.1); c.3279C>A, p.Ser1093Arg (NM_001379640.1); short protein forms S1093R, S1094R, S1103R, S1119R, S1128R, S1178R, S1186R, S1195R.
Identifiers: ClinVar variation 3365044 (VCV003365044.3).